The following is an entry in ClinVar:

ClinVar aggregate classification (germline): Pathogenic (1 of 4 stars; one submission).

Conditions:
Fanconi anemia complementation group O. Also called: RAD51C-Related Fanconi Anemia. Identifiers: Orphanet 84, MedGen C3150653, MONDO:0013248, OMIM 613390.

Submission:

Labcorp Genetics (formerly Invitae), Labcorp
Classification: Pathogenic for Fanconi anemia complementation group O. Last evaluated: 2023-03-21. Review status: criteria provided, single submitter. Criteria: Invitae Variant Classification Sherloc (09022015). Collection method: clinical testing. Allele origin: germline.
Comment: For these reasons, this variant has been classified as Pathogenic. Retrotransposon insertions including LINE1 (L1), Alu, and SVA (SINE-VNTR-Alu) have been reported to be disease-causing through disruption of either a coding region or splice site (PMID: 19763152, 20307669, 22406018) and loss-of-function variants in RAD51C are known to be pathogenic (PMID: 20400964, 21990120, 24800917). This variant has not been reported in the literature in individuals affected with RAD51C-related conditions. This sequence change inserts a large fragment of DNA, likely a transposable element, in exon 1 of the RAD51C gene (c.37_38ins?), causing a frameshift at codon 13 (p.Ala13fs). The exact size and sequence of the insertion cannot be determined by the current assay. However, the insertion is expected to result in an absent or disrupted protein product.

Literature cited by the submitters: PubMed 19763152; PubMed 20307669; PubMed 22406018; PubMed 20400964; PubMed 21990120; PubMed 24800917.

NM_058216.3(RAD51C):c.37_38insGCCGGGCGCGGTGGCTCACGCCTGTAATCCCAGCACTTTGGGAGGCCGAGGCGGGCGGATCACGAGGTCAGGNNNNNNNNNNAAAAAAAAAAAAAAAAAAAAGAAATGCAGCGGG (p.Asp13fs)

Gene: RAD51C (RAD51 paralog C; plus strand). Cytogenetic location: 17q22.
Variant type: Insertion.
Coding change: c.37_38insGCCGGGCGCGGTGGCTCACGCCTGTAATCCCAGCACTTTGGGAGGCCGAGGCGGGCGGATCACGAGGTCAGGNNNNNNNNNNAAAAAAAAAAAAAAAAAAAAGAAATGCAGCGGG on transcript NM_058216.3 (MANE Select); coding-DNA positions 37 to 38, GCCGGGCGCGGTGGCTCACGCCTGTAATCCCAGCACTTTGGGAGGCCGAGGCGGGCGGATCACGAGGTCAGGNNNNNNNNNNAAAAAAAAAAAAAAAAAAAAGAAATGCAGCGGG inserted.
Protein change: p.Asp13fs; shifts the reading frame from aspartic acid 13.
Molecular consequence: frameshift variant. On other transcripts: non-coding transcript variant (2).
Genome position: GRCh38: chr17:58,692,680-58,692,681. GRCh37 (hg19): chr17:56,770,041-56,770,042.
Other names: c.37_38insGCCGGGCGCGGTGGCTCACGCCTGTAATCCCAGCACTTTGGGAGGCCGAGGCGGGCGGATCACGAGGTCAGGNNNNNNNNNNAAAAAAAAAAAAAAAAAAAAGAAATGCAGCGGG, p.Asp13fs (NM_002876.4); c.37_38insGCCGGGCGCGGTGGCTCACGCCTGTAATCCCAGCACTTTGGGAGGCCGAGGCGGGCGGATCACGAGGTCAGGNNNNNNNNNNAAAAAAAAAAAAAAAAAAAAGAAATGCAGCGGG, p.Asp13Glyfs (NM_058217.1); short protein forms D13fs.
Identifiers: ClinVar variation 2848340 (VCV002848340.3), dbSNP rs2509260589.